The following is an entry in ClinVar:

NM_000836.4(GRIN2D):c.358G>A (p.Asp120Asn)

Gene: GRIN2D (glutamate ionotropic receptor NMDA type subunit 2D; plus strand). Cytogenetic location: 19q13.33.
Variant type: single nucleotide variant.
Coding change: c.358G>A on transcript NM_000836.4 (MANE Select); coding-DNA position 358, G replaced by A.
Protein change: p.Asp120Asn; replaces aspartic acid 120 with asparagine.
Molecular consequence: missense variant.
Genome position (GRCh38, 1-based): chr19:48,398,750, G>A. VCF-style: chr19-48398750-G-A. GRCh37 (hg19) VCF-style: chr19-48902007-G-A.
Other names: short protein forms D120N.
Identifiers: ClinVar variation 1694933 (VCV001694933.36), dbSNP rs1206951756, ClinGen allele CA406689057.

ClinVar aggregate classification (germline): Conflicting classifications of pathogenicity. Review status: criteria provided, conflicting classifications (1 of 4 stars). 2 submissions from 2 submitters: Uncertain significance (1); Likely benign (1). Last evaluated 2024-01-02.

Allele frequency attached by ClinVar (database versions not stated): gnomAD 0.00001; gnomAD exomes 0.00001.
gnomAD v4.1: 9 of 1,465,304 alleles (0.00061%); highest among the groups gnomAD compares: Middle Eastern, 0.07%; no homozygotes.

Submissions (2):

Labcorp Genetics (formerly Invitae), Labcorp
Classification: Uncertain significance. Last evaluated: 2024-01-02. Review status: criteria provided, single submitter. Criteria: Invitae Variant Classification Sherloc (09022015). Collection method: clinical testing. Allele origin: germline.
Comment: This sequence change replaces aspartic acid, which is acidic and polar, with asparagine, which is neutral and polar, at codon 120 of the GRIN2D protein (p.Asp120Asn). The frequency data for this variant in the population databases is considered unreliable, as metrics indicate poor data quality at this position in the gnomAD database. This variant has not been reported in the literature in individuals affected with GRIN2D-related conditions. ClinVar contains an entry for this variant (Variation ID: 1694933). Advanced modeling of protein sequence and biophysical properties (such as structural, functional, and spatial information, amino acid conservation, physicochemical variation, residue mobility, and thermodynamic stability) performed at Invitae indicates that this missense variant is not expected to disrupt GRIN2D protein function with a negative predictive value of 80%. In summary, the available evidence is currently insufficient to determine the role of this variant in disease. Therefore, it has been classified as a Variant of Uncertain Significance.

CeGaT Center for Human Genetics Tuebingen
Classification: Likely benign. Last evaluated: 2022-04-01. Review status: criteria provided, single submitter. Criteria: CeGaT Center For Human Genetics Tuebingen Variant Classification Criteria Version 2. Collection method: clinical testing. Allele origin: germline. Affected: yes. Observed: 1 variant allele.
Comment: GRIN2D: PP2, BS2